The following is an entry in ClinVar:

ClinVar aggregate classification (germline): Benign/Likely benign. Review status: criteria provided, multiple submitters, no conflicts (2 of 4 stars). 3 submissions from 3 submitters: Benign (1); Likely benign (2). Last evaluated 2024-06-25.

Conditions:
Hereditary cancer-predisposing syndrome. Also called: Neoplastic Syndromes, Hereditary; Tumor predisposition; Hereditary Cancer Syndrome; Hereditary neoplastic syndrome. Identifiers: Orphanet 140162, MedGen C0027672, MeSH D009386, MONDO:0015356.
Familial adenomatous polyposis 1 (FAP1). Also called: FAMILIAL ADENOMATOUS POLYPOSIS 1, ATTENUATED; POLYPOSIS, ADENOMATOUS INTESTINAL. Identifiers: MedGen C2713442, MONDO:0021056, OMIM 175100. Disease mechanism: loss of function.

Submissions (3):

Labcorp Genetics (formerly Invitae), Labcorp
Classification: Likely benign for Familial adenomatous polyposis 1. Last evaluated: 2024-06-25. Review status: criteria provided, single submitter. Criteria: Invitae Variant Classification Sherloc (09022015). Collection method: clinical testing. Allele origin: germline.

Myriad Genetics, Inc.
Classification: Benign for Familial adenomatous polyposis 1. Last evaluated: 2024-02-22. Review status: criteria provided, single submitter. Criteria: Myriad Autosomal Dominant, Autosomal Recessive and X-Linked Classification Criteria (2023). Collection method: clinical testing. Allele origin: unknown.
Comment: This variant is considered benign. This variant is a silent/synonymous amino acid change and it is not expected to impact splicing.

Ambry Genetics
Classification: Likely benign for Hereditary cancer-predisposing syndrome. Last evaluated: 2022-10-29. Review status: criteria provided, single submitter. Criteria: Ambry Variant Classification Scheme 2023. Collection method: clinical testing. Allele origin: germline.

NM_000038.6(APC):c.216T>G (p.Leu72=)

Gene: APC (APC regulator of Wnt signaling pathway; plus strand). Cytogenetic location: 5q22.2.
Variant type: single nucleotide variant.
Coding change: c.216T>G on transcript NM_000038.6 (MANE Select); coding-DNA position 216, T replaced by G.
Protein change: p.Leu72=; no amino-acid change (leucine 72 retained).
Molecular consequence: synonymous variant. On other transcripts: 5 prime UTR variant (4), non-coding transcript variant (2).
Genome position (GRCh38, 1-based): chr5:112,766,406, T>G. VCF-style: chr5-112766406-T-G. GRCh37 (hg19) VCF-style: chr5-112102103-T-G.
Other names: c.216T>G, p.Leu72= (NM_001127510.3, NM_001354895.2, NM_001354896.2 and 16 more transcripts); c.246T>G, p.Leu82= (NM_001127511.3, NM_001354897.2, NM_001354902.2 and 1 more transcripts); c.141T>G, p.Leu47= (NM_001354898.2, NM_001354904.2, NM_001407451.1); c.39T>G, p.Leu13= (NM_001354900.2, NM_001354901.2, NM_001354905.2 and 1 more transcripts); c.-820T>G (NM_001354906.2, NM_001407470.1, NM_001407471.1 and 1 more transcripts).
Identifiers: ClinVar variation 1787081 (VCV001787081.4), dbSNP rs1580324752, ClinGen allele CA445753049.
Genomic context (GRCh38, chr5:112,766,406, plus strand): 5'-AGGAAGTATTGAAGATGAAGCTATGGCTTCTTCTGGACAGATTGATTTATTAGAGCGTCT[T>G]AAAGGTAGATTTTAAAAAGGTGTTTTAAAATAATTTTTTAAGCTCAAATTGTCATCTTTA-3'
Protein context (NP_000029.2, residues 62-82): SSGQIDLLER[Leu72=]KELNLDSSNF